The following is an entry in ClinVar:

NM_024306.5(FA2H):c.581del (p.Gly194fs)

Gene: FA2H (fatty acid 2-hydroxylase; minus strand). Cytogenetic location: 16q23.1.
Variant type: Deletion.
Coding change: c.581del on transcript NM_024306.5 (MANE Select); coding-DNA position 581, one base deleted (G; older notation c.581delG).
Protein change: p.Gly194fs; shifts the reading frame from glycine 194.
Molecular consequence: frameshift variant.
Genome position (GRCh38, 1-based): chr16:74,726,257, C deleted on the plus strand (G on the coding strand, the reverse complement: FA2H is on the minus strand); the first of 3 consecutive C bases (chr16:74,726,257-74,726,259); deleting any one gives the same sequence. VCF-style (leftmost placement, unchanged base first): chr16-74726256-GC-G. GRCh37 (hg19) VCF-style: chr16-74760154-GC-G.
Other names: short protein forms G194fs.
Identifiers: ClinVar variation 3776207 (VCV003776207.1).

ClinVar aggregate classification (germline): Pathogenic (1 of 4 stars; one submission).

Conditions:
Hereditary spastic paraplegia 35. Also called: SPASTIC PARAPLEGIA 35, AUTOSOMAL RECESSIVE, WITH OR WITHOUT NEURODEGENERATION; Spastic paraplegia 35; LEUKODYSTROPHY, DYSMYELINATING, AND SPASTIC PARAPARESIS WITH OR WITHOUT DYSTONIA; Spastic paraplegia 35, autosomal recessive. Identifiers: Orphanet 171629, MedGen C3496228, MONDO:0012866, OMIM 612319.

Submission:

3billion
Classification: Pathogenic for Hereditary spastic paraplegia 35. Last evaluated: 2023-12-03. Review status: criteria provided, single submitter. Criteria: ACMG Guidelines, 2015. Collection method: clinical testing. Allele origin: germline. Affected: yes.
Comment: The variant is not observed in the gnomAD v2.1.1 dataset. Predicted Consequence/Location: Frameshift: predicted to result in a loss or disruption of normal protein function through nonsense-mediated decay (NMD) or protein truncation. Multiple pathogenic variants are reported downstream of the variant. The variant has been reported to be associated with FA2H related disorder (PMID: 34852264). Therefore, this variant is classified as Pathogenic according to the recommendation of ACMG/AMP guideline.

Literature cited by the submitters: PubMed 34852264.